The following is an entry in ClinVar:

NM_000238.4(KCNH2):c.76+2T>A

Gene: KCNH2 (potassium voltage-gated channel subfamily H member 2; minus strand). Cytogenetic location: 7q36.1.
Variant type: single nucleotide variant.
Coding change: c.76+2T>A on transcript NM_000238.4 (MANE Select); the canonical splice donor site of the intron after coding-DNA position 76, T replaced by A.
Molecular consequence: splice donor variant.
Genome position (GRCh38, 1-based): chr7:150,977,836, A>T on the plus strand (T>A on the coding strand, the complement: KCNH2 is on the minus strand). VCF-style: chr7-150977836-A-T. GRCh37 (hg19) VCF-style: chr7-150674924-A-T.
Other names: c.76+2T>A (NM_172056.3).
Identifiers: ClinVar variation 1331098 (VCV001331098.9), dbSNP rs794728419, ClinGen allele CA369866588.

ClinVar aggregate classification (germline): Likely pathogenic. Review status: criteria provided, multiple submitters, no conflicts (2 of 4 stars). 2 submissions from 2 submitters: Likely pathogenic (2). Last evaluated 2022-03-01.

Conditions:
Long QT syndrome (LQTS). Identifiers: MedGen C0023976, MeSH D008133, MONDO:0002442. Disease mechanism: loss of function. Inheritance: Various modes of inheritance.
Long QT syndrome 2 (LQT2). Identifiers: Orphanet 101016, Orphanet 768, MedGen C3150943, MONDO:0013367, OMIM 613688.

Submissions (2):

Labcorp Genetics (formerly Invitae), Labcorp
Classification: Likely pathogenic for Long QT syndrome. Last evaluated: 2022-03-01. Review status: criteria provided, single submitter. Criteria: Invitae Variant Classification Sherloc (09022015). Collection method: clinical testing. Allele origin: germline.
Comment: In summary, the currently available evidence indicates that the variant is pathogenic, but additional data are needed to prove that conclusively. Therefore, this variant has been classified as Likely Pathogenic. Algorithms developed to predict the effect of sequence changes on RNA splicing suggest that this variant may disrupt the consensus splice site. ClinVar contains an entry for this variant (Variation ID: 1331098). Disruption of this splice site has been observed in individual(s) with long QT syndrome (PMID: 23631430; Invitae). This variant is not present in population databases (gnomAD no frequency). This sequence change affects a donor splice site in intron 1 of the KCNH2 gene. It is expected to disrupt RNA splicing. Variants that disrupt the donor or acceptor splice site typically lead to a loss of protein function (PMID: 16199547), and loss-of-function variants in KCNH2 are known to be pathogenic (PMID: 10973849, 19862833).

Institute of Human Genetics, University of Goettingen
Classification: Likely pathogenic for Long QT syndrome 2. Last evaluated: 2022-01-04. Review status: criteria provided, single submitter. Criteria: ACMG Guidelines, 2015. Collection method: clinical testing. Allele origin: unknown. Inheritance: Autosomal dominant inheritance. Affected: yes. Observed: 1 heterozygote.
Comment: The variant c.76+2T>A (p.?) is located in the donor splice site of intron 1 of the KCNH2-gene, it affects a canonical splice site and it is not found in the gnomAD database. In silico programs predict a significant impact on KCNH2-RNA splicing (varSEAK SSP, SpliceSiteFinder-like, MaxEntScan, NNSPLICE and GeneSplicer), which has not been validated by functional studies yet. ACMG criteria used for classification: PVS1, PM2.

Literature cited by the submitters: PubMed 23631430 (cited by Labcorp Genetics (formerly Invitae), Labcorp); PubMed 16199547 (cited by Labcorp Genetics (formerly Invitae), Labcorp); PubMed 10973849 (cited by Labcorp Genetics (formerly Invitae), Labcorp); PubMed 19862833 (cited by Labcorp Genetics (formerly Invitae), Labcorp).